The following is an entry in ClinVar:

ClinVar aggregate classification (germline): Benign/Likely benign. Review status: criteria provided, multiple submitters, no conflicts (2 of 4 stars). 3 submissions from 3 submitters: Benign (1); Likely benign (2). Last evaluated 2025-10-20.

Conditions:
Hereditary cancer-predisposing syndrome. Also called: Neoplastic Syndromes, Hereditary; Tumor predisposition; Hereditary Cancer Syndrome; Hereditary neoplastic syndrome. Identifiers: Orphanet 140162, MedGen C0027672, MeSH D009386, MONDO:0015356.
Familial adenomatous polyposis 1 (FAP1). Also called: FAMILIAL ADENOMATOUS POLYPOSIS 1, ATTENUATED; POLYPOSIS, ADENOMATOUS INTESTINAL. Identifiers: MedGen C2713442, MONDO:0021056, OMIM 175100. Disease mechanism: loss of function.

Submissions (3):

Color Diagnostics, LLC DBA Color Health
Classification: Likely benign for Hereditary cancer-predisposing syndrome. Last evaluated: 2025-10-20. Review status: criteria provided, single submitter. Criteria: ACMG Guidelines, 2015. Collection method: clinical testing. Allele origin: germline.

Myriad Genetics, Inc.
Classification: Benign for Familial adenomatous polyposis 1. Last evaluated: 2024-04-04. Review status: criteria provided, single submitter. Criteria: Myriad Autosomal Dominant, Autosomal Recessive and X-Linked Classification Criteria (2023). Collection method: clinical testing. Allele origin: unknown.
Comment: This variant is considered benign. This variant is a silent/synonymous amino acid change and it is not expected to impact splicing.

Ambry Genetics
Classification: Likely benign for Hereditary cancer-predisposing syndrome. Last evaluated: 2020-09-01. Review status: criteria provided, single submitter. Criteria: Ambry Variant Classification Scheme 2023. Collection method: clinical testing. Allele origin: germline.

NM_000038.6(APC):c.6432G>T (p.Leu2144=)

Gene: APC (APC regulator of Wnt signaling pathway; plus strand). Cytogenetic location: 5q22.2.
Variant type: single nucleotide variant.
Coding change: c.6432G>T on transcript NM_000038.6 (MANE Select); coding-DNA position 6432, G replaced by T.
Protein change: p.Leu2144=; no amino-acid change (leucine 2144 retained).
Molecular consequence: synonymous variant. On other transcripts: non-coding transcript variant (2).
Genome position (GRCh38, 1-based): chr5:112,842,026, G>T. VCF-style: chr5-112842026-G-T. GRCh37 (hg19) VCF-style: chr5-112177723-G-T.
Other names: c.6432G>T, p.Leu2144= (NM_001127510.3, NM_001354895.2, NM_001407450.1); c.6378G>T, p.Leu2126= (NM_001127511.3); c.6486G>T, p.Leu2162= (NM_001354896.2, NM_001407447.1, NM_001407448.1 and 1 more transcripts); c.6462G>T, p.Leu2154= (NM_001354897.2); c.6357G>T, p.Leu2119= (NM_001354898.2); c.6348G>T, p.Leu2116= (NM_001354899.2); c.6309G>T, p.Leu2103= (NM_001354900.2); c.6255G>T, p.Leu2085= (NM_001354901.2, NM_001407453.1); and 11 more.
Identifiers: ClinVar variation 1753504 (VCV001753504.4), dbSNP rs1580670718, ClinGen allele CA446210486.